The following is an entry in ClinVar:

ClinVar aggregate classification (germline): Uncertain significance (1 of 4 stars; one submission).

Conditions:
Pheochromocytoma. Also called: MAX-Related Hereditary Paraganglioma-Pheochromocytoma Syndrome. Identifiers: Orphanet 29072, MedGen C0031511, MONDO:0008233, OMIM 171300, HP:0002666.
Gastrointestinal stromal tumor. Also called: Gastrointestinal stromal tumor, somatic; Gastrointestinal stroma tumor. Identifiers: Orphanet 44890, MedGen C0238198, MeSH D046152, MONDO:0011719, OMIM 606764, HP:0100723.
Pheochromocytoma/paraganglioma syndrome 4. Also called: CAROTID BODY TUMORS AND MULTIPLE EXTRAADRENAL PHEOCHROMOCYTOMAS; PARAGANGLIOMA, FAMILIAL MALIGNANT; PARAGANGLIOMAS, HEREDITARY EXTRAADRENAL; PHEOCHROMOCYTOMA, FAMILIAL EXTRAADRENAL; Paragangliomas 4; SDHB-Related Hereditary Paraganglioma-Pheochromocytoma Syndrome (Paragangliomas 4). Identifiers: Orphanet 29072, MedGen C1861848, MONDO:0007273, OMIM 115310.

Submission:

Labcorp Genetics (formerly Invitae), Labcorp
Classification: Uncertain significance for Gastrointestinal stromal tumor; Pheochromocytoma/paraganglioma syndrome 4; Pheochromocytoma. Last evaluated: 2023-11-14. Review status: criteria provided, single submitter. Criteria: Invitae Variant Classification Sherloc (09022015). Collection method: clinical testing. Allele origin: germline.
Comment: This sequence change replaces methionine, which is neutral and non-polar, with isoleucine, which is neutral and non-polar, at codon 58 of the SDHB protein (p.Met58Ile). This variant is not present in population databases (gnomAD no frequency). This variant has not been reported in the literature in individuals affected with SDHB-related conditions. Advanced modeling of protein sequence and biophysical properties (such as structural, functional, and spatial information, amino acid conservation, physicochemical variation, residue mobility, and thermodynamic stability) performed at Invitae indicates that this missense variant is not expected to disrupt SDHB protein function with a negative predictive value of 80%. In summary, the available evidence is currently insufficient to determine the role of this variant in disease. Therefore, it has been classified as a Variant of Uncertain Significance.

NM_003000.3(SDHB):c.174G>A (p.Met58Ile)

Gene: SDHB (succinate dehydrogenase complex iron sulfur subunit B; minus strand). Cytogenetic location: 1p36.13.
Variant type: single nucleotide variant.
Coding change: c.174G>A on transcript NM_003000.3 (MANE Select); coding-DNA position 174, G replaced by A.
Protein change: p.Met58Ile; replaces methionine 58 with isoleucine.
Molecular consequence: missense variant.
Genome position (GRCh38, 1-based): chr1:17,044,787, C>T on the plus strand (G>A on the coding strand, the complement: SDHB is on the minus strand). VCF-style: chr1-17044787-C-T. GRCh37 (hg19) VCF-style: chr1-17371282-C-T.
Other names: c.174G>A, p.Met58Ile (NM_001407361.1); short protein forms M58I.
Identifiers: ClinVar variation 2950880 (VCV002950880.3), dbSNP rs2525059543, ClinGen allele CA338227810.